The following is an entry in ClinVar:

NM_001042492.3(NF1):c.289-1_289delinsAT

Gene: NF1 (neurofibromin 1; plus strand). Cytogenetic location: 17q11.2.
Variant type: Indel.
Coding change: c.289-1_289delinsAT on transcript NM_001042492.3 (MANE Select); the canonical splice acceptor site of the intron before coding-DNA position 289 through coding-DNA position 289, GC replaced by AT.
Molecular consequence: splice acceptor variant.
Genome position (GRCh38, 1-based): chr17:31,163,185-31,163,186, GC replaced by AT. VCF-style: chr17-31163185-GC-AT. GRCh37 (hg19) VCF-style: chr17-29490203-GC-AT.
Other names: c.289-1_289delinsAT (NM_000267.4, NM_001128147.3).
Identifiers: ClinVar variation 4292966 (VCV004292966.1).

ClinVar aggregate classification (germline): Pathogenic (1 of 4 stars; one submission).

Conditions:
Neurofibromatosis, type 1 (NF1). Also called: VON RECKLINGHAUSEN DISEASE; Neurofibromatosis, type I; NEUROFIBROMATOSIS, TYPE I, SOMATIC; Peripheral type neurofibromatosis. Identifiers: Orphanet 636, MedGen C0027831, MONDO:0018975, OMIM 162200. Disease mechanism: loss of function.

Submission:

3billion
Classification: Pathogenic for Neurofibromatosis, type 1. Last evaluated: 2024-07-05. Review status: criteria provided, single submitter. Criteria: ACMG Guidelines, 2015. Collection method: clinical testing. Allele origin: germline. Affected: yes.
Comment: The variant is observed at an extremely low frequency in the gnomAD v4.0.0 dataset (total allele frequency: <0.001%). Predicted Consequence/Location: Canonical splice site: predicted to alter splicing and result in a loss or disruption of normal protein function. Multiple pathogenic loss-of-function variants are reported downstream of the variant. In silico tools predict the variant to alter splicing and produce an abnormal transcript [SpliceAI: 1.00 (spliceogenicity >=0.2, non-spliceogenicity <0.1)]. The variant has been reported to be associated with NF1 related disorder (ClinVar ID: VCV001712537). Therefore, this variant is classified as Pathogenic according to the recommendation of ACMG/AMP guideline.